The following is an entry in ClinVar:

NM_005259.3(MSTN):c.386T>G (p.Met129Arg)

Genes: MSTN (myostatin; minus strand), AKAP19 (A-kinase anchoring protein 19; plus strand). Cytogenetic location: 2q32.2.
Variant type: single nucleotide variant.
Coding change: c.386T>G on transcript NM_005259.3 (MANE Select); coding-DNA position 386, T replaced by G.
Protein change: p.Met129Arg; replaces methionine 129 with arginine.
Molecular consequence: missense variant.
Genome position (GRCh38, 1-based): chr2:190,060,423, A>C on the plus strand (T>G on the coding strand, the complement: MSTN is on the minus strand). VCF-style: chr2-190060423-A-C. GRCh37 (hg19) VCF-style: chr2-190925149-A-C.
Other names: NC_000002.11:g.190925149A>C; c.386T>G (LRG_200t1); short protein forms M129R.
Identifiers: ClinVar variation 333240 (VCV000333240.10), dbSNP rs142195885, ClinGen allele CA2027146.

ClinVar aggregate classification (germline): Benign/Likely benign. Review status: criteria provided, multiple submitters, no conflicts (2 of 4 stars). 3 submissions from 3 submitters: Benign (1); Likely benign (2). Last evaluated 2018-05-16.

Conditions:
Myostatin-related muscle hypertrophy (MSLHP). Also called: MUSCLE HYPERTROPHY. Identifiers: Orphanet 275534, MedGen C2931112, MONDO:0013598, OMIM 614160.

Allele frequency attached by ClinVar (database versions not stated): ExAC 0.00133; gnomAD 0.00416 and 0.00441; TOPMed 0.00436; 1000 Genomes Project 30x 0.00453; 1000 Genomes Project 0.00459; ESP Exome Variant Server 0.00477.
gnomAD v4.1: 1,282 of 1,609,852 alleles (0.08%); highest among the groups gnomAD compares: African/African-American, 1.5%; 11 homozygotes.

Submissions (5):

Labcorp Genetics (formerly Invitae), Labcorp
Classification: Benign. Last evaluated: 2018-05-16. Review status: criteria provided, single submitter. Criteria: Invitae Variant Classification Sherloc (09022015). Collection method: clinical testing. Allele origin: germline.

Illumina Laboratory Services, Illumina
Classification: Likely benign for Myostatin-related muscle hypertrophy. Last evaluated: 2017-04-27. Review status: criteria provided, single submitter. Criteria: ICSL Variant Classification Criteria 13 December 2019. Collection method: clinical testing. Allele origin: germline.
Comment: This variant was observed as part of a predisposition screen in an ostensibly healthy population. A literature search was performed for the gene, cDNA change, and amino acid change (where applicable). No publications were found based on this search. Allele frequency data from public databases allowed determination this variant is unlikely to cause disease. Therefore, this variant is classified as likely benign.

Breakthrough Genomics
Classification: Likely benign. Review status: criteria provided, single submitter. Criteria: ACMG Guidelines, 2015. Collection method: not provided. Allele origin: germline. Inheritance: Autosomal recessive inheritance. Affected: yes.

Dr. Peter K. Rogan Lab, Western University
No classification provided (evidence only). Condition: Familial cancer of breast. Review status: no classification provided. Collection method: in vitro. Allele origin: not applicable. Functional consequence: retained intron. Not counted in ClinVar's aggregate classification.

Dr. Peter K. Rogan Lab, Western University
No classification provided (evidence only). Condition: Uterine corpus endometrial carcinoma. Review status: no classification provided. Collection method: in vitro. Allele origin: not applicable. Functional consequence: retained intron. Not counted in ClinVar's aggregate classification.